The following is an entry in ClinVar:

ClinVar aggregate classification (germline): Uncertain significance. Review status: criteria provided, multiple submitters, no conflicts (2 of 4 stars). 3 submissions from 2 submitters: Uncertain significance (3). Last evaluated 2025-07-30.

Conditions:
Cardiovascular phenotype. Identifiers: MedGen CN230736.
Hereditary cancer-predisposing syndrome. Also called: Hereditary Cancer Syndrome; Neoplastic Syndromes, Hereditary; Tumor predisposition; Hereditary neoplastic syndrome. Identifiers: Orphanet 140162, MedGen C0027672, MeSH D009386, MONDO:0015356.
Neurofibromatosis, type 1 (NF1). Also called: Neurofibromatosis, type I; VON RECKLINGHAUSEN DISEASE; NEUROFIBROMATOSIS, TYPE I, SOMATIC; Peripheral type neurofibromatosis. Identifiers: Orphanet 636, MedGen C0027831, MONDO:0018975, OMIM 162200. Disease mechanism: loss of function.

Submissions (3):

Labcorp Genetics (formerly Invitae), Labcorp
Classification: Uncertain significance for Neurofibromatosis, type 1. Last evaluated: 2025-07-30. Review status: criteria provided, single submitter. Criteria: Invitae Variant Classification Sherloc (09022015). Collection method: clinical testing. Allele origin: germline.
Comment: This sequence change replaces serine, which is neutral and polar, with asparagine, which is neutral and polar, at codon 1682 of the NF1 protein (p.Ser1682Asn). This variant is not present in population databases (gnomAD no frequency). This variant has not been reported in the literature in individuals affected with NF1-related conditions. ClinVar contains an entry for this variant (Variation ID: 233054). Invitae Evidence Modeling of protein sequence and biophysical properties (such as structural, functional, and spatial information, amino acid conservation, physicochemical variation, residue mobility, and thermodynamic stability) indicates that this missense variant is not expected to disrupt NF1 protein function with a negative predictive value of 95%. Algorithms developed to predict the effect of sequence changes on RNA splicing suggest that this variant may create or strengthen a splice site. In summary, the available evidence is currently insufficient to determine the role of this variant in disease. Therefore, it has been classified as a Variant of Uncertain Significance.

Ambry Genetics
Classification: Uncertain significance for Cardiovascular phenotype; Hereditary cancer-predisposing syndrome. Last evaluated: 2025-01-03. Review status: criteria provided, single submitter. Criteria: Ambry Variant Classification Scheme 2023. Collection method: clinical testing. Allele origin: germline.

Ambry Genetics
Classification: Uncertain significance for Hereditary cancer-predisposing syndrome. Last evaluated: 2015-07-21. Review status: criteria provided, single submitter. Criteria: Ambry Autosomal Dominant and X-Linked criteria (10/2015). Collection method: clinical testing. Allele origin: germline. Observed: 1 variant allele.
Comment: The p.S1703N variant (also known as c.5108G>A), located in coding exon 37 of the NF1 gene, results from a G to A substitution at nucleotide position 5108. The serine at codon 1703 is replaced by asparagine, an amino acid with highly similar properties. This variant was not reported in population based cohorts in the following databases: Database of Single Nucleotide Polymorphisms (dbSNP), NHLBI Exome Sequencing Project (ESP), and 1000 Genomes Project. In the ESP, this variant was not observed in 6503 samples (13006 alleles) with coverage at this position. To date, this alteration has been detected with an allele frequency of approximately 0.002% (greater than 55000alleles tested) in our clinical cohort.This amino acid position is highly conserved in available vertebrate species. However, this alteration is predicted to be benign and tolerated by PolyPhen and SIFT in silico analyses, respectively.Since supporting evidence is limited at this time, the clinical significance of p.S1703N remains unclear.

NM_001042492.3(NF1):c.5108G>A (p.Ser1703Asn)

Gene: NF1 (neurofibromin 1; plus strand). Cytogenetic location: 17q11.2.
Variant type: single nucleotide variant.
Coding change: c.5108G>A on transcript NM_001042492.3 (MANE Select); coding-DNA position 5108, G replaced by A.
Protein change: p.Ser1703Asn; replaces serine 1703 with asparagine.
Molecular consequence: missense variant.
Genome position (GRCh38, 1-based): chr17:31,326,092, G>A. VCF-style: chr17-31326092-G-A. GRCh37 (hg19) VCF-style: chr17-29653110-G-A.
Other names: c.5045G>A, p.Ser1682Asn (NM_000267.4); short protein forms S1682N, S1703N.
Identifiers: ClinVar variation 233054 (VCV000233054.7), dbSNP rs876660159, ClinGen allele CA10580337.
Genomic context (GRCh38, chr17:31,326,092, plus strand): 5'-ACTCCTGGGTCAGGGAGTACACCAAGTATCATGAGCGGCTGCTGACTGGCCTCAAAGGTA[G>A]CAAAAGGCTTGTTTTCATAGACTGTCCTGGGAAACTGGCTGAGCACATAGAGCATGAACA-3'
Protein context (NP_001035957.1, residues 1693-1713): HERLLTGLKG[Ser1703Asn]KRLVFIDCPG